The following is an entry in ClinVar:

NM_144670.6(A2ML1):c.61C>G (p.Pro21Ala)

Genes: A2ML1 (alpha-2-macroglobulin like 1; plus strand), A2ML1-AS1 (A2ML1 antisense RNA 1; minus strand). Cytogenetic location: 12p13.31.
Variant type: single nucleotide variant.
Coding change: c.61C>G on transcript NM_144670.6 (MANE Select); coding-DNA position 61, C replaced by G.
Protein change: p.Pro21Ala; replaces proline 21 with alanine.
Molecular consequence: missense variant.
Genome position (GRCh38, 1-based): chr12:8,822,712, C>G. VCF-style: chr12-8822712-C-G. GRCh37 (hg19) VCF-style: chr12-8975308-C-G.
Other names: c.61C>G (NM_144670.3); short protein forms P21A.
Identifiers: ClinVar variation 760642 (VCV000760642.13), dbSNP rs749520022, ClinGen allele CA6435135.

ClinVar aggregate classification (germline): Conflicting classifications of pathogenicity. Review status: criteria provided, conflicting classifications (1 of 4 stars). 2 submissions from 2 submitters: Uncertain significance (1); Likely benign (1). Last evaluated 2026-06-12.

Allele frequency attached by ClinVar (database versions not stated): TOPMed 0.00001; ExAC 0.00011; gnomAD 0.00002 and 0.00001; gnomAD exomes 0.00012.
gnomAD v4.1: 72 of 1,614,008 alleles (0.0045%); highest among the groups gnomAD compares: South Asian, 0.068%; no homozygotes.

Submissions (2):

Ambry Genetics
Classification: Uncertain significance. Last evaluated: 2026-06-12. Review status: criteria provided, single submitter. Criteria: Ambry Variant Classification Scheme 2023. Collection method: clinical testing. Allele origin: germline.
Comment: The p.P21A variant (also known as c.61C>G), located in coding exon 1 of the A2ML1 gene, results from a C to G substitution at nucleotide position 61. The proline at codon 21 is replaced by alanine, an amino acid with highly similar properties. This amino acid position is conserved. In addition, this alteration is predicted to be tolerated by in silico analysis. Based on the available evidence, the clinical significance of this variant remains unclear.

Labcorp Genetics (formerly Invitae), Labcorp
Classification: Likely benign. Last evaluated: 2019-05-20. Review status: criteria provided, single submitter. Criteria: Invitae Variant Classification Sherloc (09022015). Collection method: clinical testing. Allele origin: germline.